The following is an entry in ClinVar:

ClinVar aggregate classification (germline): Uncertain significance (1 of 4 stars; one submission).

Allele frequency attached by ClinVar (database versions not stated): gnomAD exomes 0.00001.
gnomAD v4.1: 12 of 1,613,974 alleles (0.00074%); highest among the groups gnomAD compares: Non-Finnish European, 0.00093%; no homozygotes.

Submission:

Labcorp Genetics (formerly Invitae), Labcorp
Classification: Uncertain significance. Last evaluated: 2023-04-29. Review status: criteria provided, single submitter. Criteria: Invitae Variant Classification Sherloc (09022015). Collection method: clinical testing. Allele origin: germline.
Comment: This sequence change falls in intron 5 of the GNMT gene. It does not directly change the encoded amino acid sequence of the GNMT protein. It affects a nucleotide within the consensus splice site. This variant is not present in population databases (gnomAD no frequency). This variant has not been reported in the literature in individuals affected with GNMT-related conditions. Variants that disrupt the consensus splice site are a relatively common cause of aberrant splicing (PMID: 17576681, 9536098). Algorithms developed to predict the effect of sequence changes on RNA splicing suggest that this variant may disrupt the consensus splice site. In summary, the available evidence is currently insufficient to determine the role of this variant in disease. Therefore, it has been classified as a Variant of Uncertain Significance.

Literature cited by the submitters: PubMed 17576681; PubMed 9536098.

NM_018960.6(GNMT):c.717-3C>T

Genes: CNPY3-GNMT (CNPY3-GNMT readthrough; plus strand), GNMT (glycine N-methyltransferase; plus strand). Cytogenetic location: 6p21.1.
Variant type: single nucleotide variant.
Coding change: c.717-3C>T on transcript NM_018960.6 (MANE Select); 3 bases into the intron before coding-DNA position 717, C replaced by T.
Molecular consequence: intron variant.
Genome position (GRCh38, 1-based): chr6:42,963,532, C>T. VCF-style: chr6-42963532-C-T. GRCh37 (hg19) VCF-style: chr6-42931270-C-T.
Other names: c.519-3C>T (NM_001318856.2); c.534-3C>T (NM_001318857.2); c.426-3C>T (NM_001318858.2); c.660-3C>T (NM_001318865.2).
Identifiers: ClinVar variation 2988232 (VCV002988232.3), dbSNP rs2481185570, ClinGen allele CA2678790278.